The following is an entry in ClinVar:

ClinVar aggregate classification (germline): Uncertain significance (1 of 4 stars; one submission).

Conditions:
Neuropathy, hereditary sensory, type 1F. Also called: Hereditary sensory neuropathy type IF; HSN IF. Identifiers: Orphanet 36386, MedGen C3810194, MONDO:0014286, OMIM 615632.

gnomAD v4.1: 11 of 1,599,478 alleles (0.00069%); highest among the groups gnomAD compares: African/African-American, 0.011%; no homozygotes.

Submission:

Labcorp Genetics (formerly Invitae), Labcorp
Classification: Uncertain significance for Neuropathy, hereditary sensory, type 1F. Last evaluated: 2021-04-27. Review status: criteria provided, single submitter. Criteria: Invitae Variant Classification Sherloc (09022015). Collection method: clinical testing. Allele origin: germline.
Comment: In summary, the available evidence is currently insufficient to determine the role of this variant in disease. Therefore, it has been classified as a Variant of Uncertain Significance. Algorithms developed to predict the effect of sequence changes on RNA splicing suggest that this variant may disrupt the consensus splice site, but this prediction has not been confirmed by published transcriptional studies. Algorithms developed to predict the effect of missense changes on protein structure and function are either unavailable or do not agree on the potential impact of this missense change (SIFT: "Deleterious"; PolyPhen-2: "Probably Damaging"; Align-GVGD: "Class C0"). This variant has not been reported in the literature in individuals with ATL3-related conditions. This variant is not present in population databases (ExAC no frequency). This sequence change replaces leucine with phenylalanine at codon 188 of the ATL3 protein (p.Leu188Phe). The leucine residue is highly conserved and there is a small physicochemical difference between leucine and phenylalanine.

NM_015459.5(ATL3):c.562C>T (p.Leu188Phe)

Genes: ATL3 (atlastin GTPase 3; minus strand), LNCROPM (lncRNA regulator of PLAAT3 mediated phospholipid metabolism; plus strand). Cytogenetic location: 11q13.1.
Variant type: single nucleotide variant.
Coding change: c.562C>T on transcript NM_015459.5 (MANE Select); coding-DNA position 562, C replaced by T.
Protein change: p.Leu188Phe; replaces leucine 188 with phenylalanine.
Molecular consequence: missense variant.
Genome position (GRCh38, 1-based): chr11:63,646,563, G>A on the plus strand (C>T on the coding strand, the complement: ATL3 is on the minus strand). VCF-style: chr11-63646563-G-A. GRCh37 (hg19) VCF-style: chr11-63414035-G-A.
Other names: c.508C>T, p.Leu170Phe (NM_001290048.2); short protein forms L188F, L170F.
Identifiers: ClinVar variation 1351764 (VCV001351764.8), dbSNP rs2134496226, ClinGen allele CA381025995.
Genomic context (GRCh38, chr11:63,646,563, plus strand): 5'-TAACCTGGAAAGGCTTTTGGAAAATTTCATCCATTGCCAGACGACCGTATTCTGTGAAGA[G>A]CTTTAAAAAAGAAGCATTATGGTTTGTAAAGCAAAATTACTTAAAATAGTTCTATGGCCT-3'
Protein context (NP_056274.3, residues 178-198): IQEDDLQQLQ[Leu188Phe]FTEYGRLAMD